The following is an entry in ClinVar:

NM_001079802.2(FKTN):c.1248C>G (p.Leu416=)

Gene: FKTN (fukutin; plus strand). Cytogenetic location: 9q31.2.
Variant type: single nucleotide variant.
Coding change: c.1248C>G on transcript NM_001079802.2 (MANE Select); coding-DNA position 1248, C replaced by G.
Protein change: p.Leu416=; no amino-acid change (leucine 416 retained).
Molecular consequence: synonymous variant. On other transcripts: 3 prime UTR variant (1), non-coding transcript variant (2).
Genome position (GRCh38, 1-based): chr9:105,635,126, C>G. VCF-style: chr9-105635126-C-G. GRCh37 (hg19) VCF-style: chr9-108397407-C-G.
Other names: c.1248C>G, p.Leu416= (NM_001198963.2, NM_001351496.2, NM_006731.2); c.1179C>G, p.Leu393= (NM_001351497.2); c.*40C>G (NM_001351498.2); c.852C>G, p.Leu284= (NM_001351499.2, NM_001351500.2, NM_001351501.2 and 1 more transcripts).
Identifiers: ClinVar variation 1624772 (VCV001624772.32), dbSNP rs774804160, ClinGen allele CA466518490.
Genomic context (GRCh38, chr9:105,635,126, plus strand): 5'-GTTTACACTGTGCTGGACTGAGTTTGTAGACATGAAGGTCCATGTACCCTGTGAAACCCT[C>G]GAATACATTGAAGCCAACTATGGTAAGACCTGGAAGATTCCTGTAAAGACGTGGGACTGG-3'
Protein context (NP_001073270.1, residues 406-426): DMKVHVPCET[Leu416=]EYIEANYGKT

ClinVar aggregate classification (germline): Likely benign. Review status: criteria provided, multiple submitters, no conflicts (2 of 4 stars). 2 submissions from 2 submitters: Likely benign (2). Last evaluated 2024-06-14.

Conditions:
Walker-Warburg congenital muscular dystrophy. Also called: Muscular dystrophy-dystroglycanopathy, type A; Walker-Warburg syndrome. Identifiers: Orphanet 899, MedGen C0265221, MONDO:0000171.

gnomAD v4.1: 1 of 1,613,956 alleles (0.000062%); highest among the groups gnomAD compares: South Asian, 0.0011%; no homozygotes.

Submissions (2):

Labcorp Genetics (formerly Invitae), Labcorp
Classification: Likely benign for Walker-Warburg congenital muscular dystrophy. Last evaluated: 2024-06-14. Review status: criteria provided, single submitter. Criteria: Invitae Variant Classification Sherloc (09022015). Collection method: clinical testing. Allele origin: germline.

CeGaT Center for Human Genetics Tuebingen
Classification: Likely benign. Last evaluated: 2022-08-01. Review status: criteria provided, single submitter. Criteria: CeGaT Center For Human Genetics Tuebingen Variant Classification Criteria Version 2. Collection method: clinical testing. Allele origin: germline. Affected: yes. Observed: 1 variant allele.
Comment: FKTN: BP4, BP7